The following is an entry in ClinVar:

ClinVar aggregate classification (germline): Likely benign. Review status: reviewed by expert panel (3 of 4 stars). 2 submissions from 2 submitters: Likely benign (1). 1 of the submissions does not count toward it. Last evaluated 2026-04-29.

Conditions:
Hereditary thrombocytopenia and hematological cancer predisposition syndrome associated with RUNX1. Also called: Familial Platelet Disorder with Propensity to Acute Myelogenous Leukemia; Familial thrombocytopenia with propensity to acute myelogenous leukemia; PLATELET DISORDER, ASPIRIN-LIKE; RUNX1 Familial Platelet Disorder with Associated Myeloid Malignancies. Identifiers: Orphanet 71290, MedGen C1832388, MeSH C563324, MONDO:0100083, OMIM 601399.
Hereditary thrombocytopenia and hematologic cancer predisposition syndrome. Identifiers: Orphanet 71290, MedGen CN281654, MONDO:0011071.

Allele frequency attached by ClinVar (database versions not stated): gnomAD exomes below 0.00001.
gnomAD v4.1: 2 of 1,612,398 alleles (0.00012%); highest among the groups gnomAD compares: Non-Finnish European, 0.00017%; no homozygotes.

Submissions (2):

ClinGen Myeloid Malignancy Variant Curation Expert Panel
Classification: Likely benign for Hereditary thrombocytopenia and hematologic cancer predisposition syndrome. Last evaluated: 2026-04-29. Review status: reviewed by expert panel. Criteria: ClinGen MyeloMalig ACMG Specifications V3.1. Collection method: curation. Allele origin: germline. Inheritance: Autosomal dominant inheritance.
Comment: NM_001754.5(RUNX1):c.756C>T (p.Ser252=) is a synonymous variant which has a SpliceAI score ≤ 0.20 (0.01) (BP4, BP7). This variant has a MAF ≤ 0.00005 in gnomAD v4 across all subpopulations with at least 20x coverage for RUNX1 (PM2_supporting). In summary, this variant meets criteria to be classified as likely benign. ACMG/AMP criteria applied, as specified by the Myeloid Malignancy Variant Curation Expert Panel for RUNX1: BP4, BP7, PM2_supporting.

Labcorp Genetics (formerly Invitae), Labcorp
Classification: Likely benign for Hereditary thrombocytopenia and hematological cancer predisposition syndrome associated with RUNX1. Last evaluated: 2023-02-03. Review status: criteria provided, single submitter. Criteria: Invitae Variant Classification Sherloc (09022015). Collection method: clinical testing. Allele origin: germline. Not counted in ClinVar's aggregate classification.

NM_001754.5(RUNX1):c.756C>T (p.Ser252=)

Gene: RUNX1 (RUNX family transcription factor 1; minus strand). Cytogenetic location: 21q22.12.
Variant type: single nucleotide variant.
Coding change: c.756C>T on transcript NM_001754.5 (MANE Select); coding-DNA position 756, C replaced by T.
Protein change: p.Ser252=; no amino-acid change (serine 252 retained).
Molecular consequence: synonymous variant.
Genome position (GRCh38, 1-based): chr21:34,834,459, G>A on the plus strand (C>T on the coding strand, the complement: RUNX1 is on the minus strand). VCF-style: chr21-34834459-G-A. GRCh37 (hg19) VCF-style: chr21-36206756-G-A.
Other names: NM_001754.5(RUNX1):c.756C>T; p.Ser252=; c.675C>T, p.Ser225= (NM_001001890.3, NM_001122607.2).
Identifiers: ClinVar variation 2808278 (VCV002808278.6), dbSNP rs2517038598, ClinGen allele CA512318583.
Genomic context (GRCh38, chr21:34,834,459, plus strand): 5'-CTGGTACTTACCCTGCATCTGACTCTGAGGCTGAGGGTTAAAGGCAGTGGAGTGGTTCAG[G>A]GAGGCACGAGGGTTGGGCGTGGGGGCTGGGTGGTGTGGGCTGACCCTCATGGCTGTGCGC-3'
Protein context (NP_001745.2, residues 242-262): HPAPTPNPRA[Ser252=]LNHSTAFNPQ